The following is an entry in ClinVar:

ClinVar aggregate classification (germline): Uncertain significance (1 of 4 stars; one submission).

Conditions:
Ciliary dyskinesia, primary, 40. Also called: CILIARY DYSKINESIA, PRIMARY, 40, WITH OR WITHOUT SITUS INVERSUS. Identifiers: MedGen C4749028, MONDO:0032664, OMIM 618300.

Submission:

Juno Genomics, Hangzhou Juno Genomics, Inc
Classification: Uncertain significance for Ciliary dyskinesia, primary, 40. Review status: criteria provided, single submitter. Criteria: ACMG Guidelines, 2015. Collection method: clinical testing. Allele origin: germline.
Comment: Absent from controls (or at extremely low frequency if recessive) in Genome Aggregation Database.;Multiple lines of computational evidence support a deleterious effect on the gene or gene product.

NM_001372.4(DNAH9):c.4843A>T (p.Ile1615Phe)

Gene: DNAH9 (dynein axonemal heavy chain 9; plus strand). Cytogenetic location: 17p12.
Variant type: single nucleotide variant.
Coding change: c.4843A>T on transcript NM_001372.4 (MANE Select); coding-DNA position 4843, A replaced by T.
Protein change: p.Ile1615Phe; replaces isoleucine 1615 with phenylalanine.
Molecular consequence: missense variant.
Genome position (GRCh38, 1-based): chr17:11,694,418, A>T. VCF-style: chr17-11694418-A-T. GRCh37 (hg19) VCF-style: chr17-11597735-A-T.
Other names: short protein forms I1615F.
Identifiers: ClinVar variation 5019378 (VCV005019378.2).